The following is an entry in ClinVar:

ClinVar aggregate classification (germline): Uncertain significance (1 of 4 stars; one submission).

Conditions:
Early-infantile DEE. Also called: Early infantile epileptic encephalopathy with suppression bursts; Ohtahara syndrome; Early infantile epileptic encephalopathy. Identifiers: Orphanet 1934, MedGen C0393706, MONDO:0800491.

Submission:

Labcorp Genetics (formerly Invitae), Labcorp
Classification: Uncertain significance for Early-infantile DEE. Last evaluated: 2023-06-16. Review status: criteria provided, single submitter. Criteria: Invitae Variant Classification Sherloc (09022015). Collection method: clinical testing. Allele origin: germline.
Comment: This sequence change replaces proline, which is neutral and non-polar, with serine, which is neutral and polar, at codon 979 of the KCNH5 protein (p.Pro979Ser). This variant is not present in population databases (gnomAD no frequency). This variant has not been reported in the literature in individuals affected with KCNH5-related conditions. Advanced modeling of protein sequence and biophysical properties (such as structural, functional, and spatial information, amino acid conservation, physicochemical variation, residue mobility, and thermodynamic stability) performed at Invitae indicates that this missense variant is not expected to disrupt KCNH5 protein function. In summary, the available evidence is currently insufficient to determine the role of this variant in disease. Therefore, it has been classified as a Variant of Uncertain Significance.

NM_139318.5(KCNH5):c.2935C>T (p.Pro979Ser)

Gene: KCNH5 (potassium voltage-gated channel subfamily H member 5; minus strand). Cytogenetic location: 14q23.2.
Variant type: single nucleotide variant.
Coding change: c.2935C>T on transcript NM_139318.5 (MANE Select); coding-DNA position 2935, C replaced by T.
Protein change: p.Pro979Ser; replaces proline 979 with serine.
Molecular consequence: missense variant. On other transcripts: 3 prime UTR variant (1).
Genome position (GRCh38, 1-based): chr14:62,707,540, G>A on the plus strand (C>T on the coding strand, the complement: KCNH5 is on the minus strand). VCF-style: chr14-62707540-G-A. GRCh37 (hg19) VCF-style: chr14-63174258-G-A.
Other names: c.*902C>T (NM_172375.3); short protein forms P979S.
Identifiers: ClinVar variation 2996105 (VCV002996105.3), dbSNP rs2502652066, ClinGen allele CA390099509.